The following is an entry in ClinVar:

ClinVar aggregate classification (germline): Pathogenic (1 of 4 stars; one submission).

Conditions:
Primary ciliary dyskinesia 3. Identifiers: Orphanet 244, MedGen C1837618, MONDO:0012085, OMIM 608644.

Submission:

Myriad Genetics, Inc.
Classification: Pathogenic for Primary ciliary dyskinesia 3. Last evaluated: 2023-08-10. Review status: criteria provided, single submitter. Criteria: Myriad Autosomal Dominant, Autosomal Recessive and X-Linked Classification Criteria (2023). Collection method: clinical testing. Allele origin: unknown.
Comment: NM_001369.2(DNAH5):c.11200_11201ins13(T3734Sfs*34) is expected to be pathogenic in the context of primary ciliary dyskinesia, DNAH5-related. This variant is predicted to lead to an abnormal or absent protein product due to the creation of a premature termination codon in DNAH5, a gene where loss-of-function variants are known to be pathogenic. Please note: this variant was assessed in the context of healthy population screening.

NM_001369.3(DNAH5):c.11200_11201insGCAGCACGACGAT (p.Thr3734fs)

Gene: DNAH5 (dynein axonemal heavy chain 5; minus strand). Cytogenetic location: 5p15.2.
Variant type: Insertion.
Coding change: c.11200_11201insGCAGCACGACGAT on transcript NM_001369.3 (MANE Select); coding-DNA positions 11200 to 11201, GCAGCACGACGAT inserted.
Protein change: p.Thr3734fs; shifts the reading frame from threonine 3734.
Molecular consequence: frameshift variant.
Genome position: GRCh38 VCF-style: chr5-13751088-G-GATCGTCGTGCTGC. GRCh37 (hg19) VCF-style: chr5-13751197-G-GATCGTCGTGCTGC.
Other names: short protein forms T3734fs.
Identifiers: ClinVar variation 5011314 (VCV005011314.1).